The following is an entry in ClinVar:

NM_007194.4(CHEK2):c.1460A>G (p.Gln487Arg)

Gene: CHEK2 (checkpoint kinase 2; minus strand). Cytogenetic location: 22q12.1.
Variant type: single nucleotide variant.
Coding change: c.1460A>G on transcript NM_007194.4 (MANE Select); coding-DNA position 1460, A replaced by G.
Protein change: p.Gln487Arg; replaces glutamine 487 with arginine.
Molecular consequence: missense variant.
Genome position (GRCh38, 1-based): chr22:28,694,033, T>C on the plus strand (A>G on the coding strand, the complement: CHEK2 is on the minus strand). VCF-style: chr22-28694033-T-C. GRCh37 (hg19) VCF-style: chr22-29090021-T-C.
Other names: c.1589A>G, p.Gln530Arg (NM_001005735.3); c.797A>G, p.Gln266Arg (NM_001257387.3); c.1259A>G, p.Gln420Arg (NM_001349956.3); c.1373A>G, p.Gln458Arg (NM_145862.3); short protein forms Q487R, Q458R, Q266R, Q420R, Q530R.
Identifiers: ClinVar variation 662215 (VCV000662215.9), dbSNP rs1601715793, ClinGen allele CA411093888.

ClinVar aggregate classification (germline): Uncertain significance. Review status: criteria provided, multiple submitters, no conflicts (2 of 4 stars). 2 submissions from 2 submitters: Uncertain significance (2). Last evaluated 2022-11-07.

Conditions:
Familial cancer of breast. Also called: BREAST CANCER, FAMILIAL; hereditary breast carcinoma; Hereditary breast cancer. Identifiers: Orphanet 227535, MedGen C0346153, MONDO:0016419, OMIM 114480. Disease mechanism: loss of function.

Submissions (2):

Labcorp Genetics (formerly Invitae), Labcorp
Classification: Uncertain significance for Familial cancer of breast. Last evaluated: 2022-11-07. Review status: criteria provided, single submitter. Criteria: Invitae Variant Classification Sherloc (09022015). Collection method: clinical testing. Allele origin: germline.
Comment: This sequence change replaces glutamine, which is neutral and polar, with arginine, which is basic and polar, at codon 487 of the CHEK2 protein (p.Gln487Arg). This variant is not present in population databases (gnomAD no frequency). This variant has not been reported in the literature in individuals affected with CHEK2-related conditions. ClinVar contains an entry for this variant (Variation ID: 662215). Algorithms developed to predict the effect of missense changes on protein structure and function are either unavailable or do not agree on the potential impact of this missense change (SIFT: "Deleterious"; PolyPhen-2: "Benign"; Align-GVGD: "Class C0"). Algorithms developed to predict the effect of sequence changes on RNA splicing suggest that this variant may disrupt the consensus splice site. In summary, the available evidence is currently insufficient to determine the role of this variant in disease. Therefore, it has been classified as a Variant of Uncertain Significance.

GeneDx
Classification: Uncertain significance. Last evaluated: 2022-03-08. Review status: criteria provided, single submitter. Criteria: GeneDx Variant Classification Process June 2021. Collection method: clinical testing. Allele origin: germline. Affected: yes.
Comment: Not observed at significant frequency in large population cohorts (gnomAD); In silico analysis supports a deleterious effect on splicing; In silico analysis supports that this missense variant does not alter protein structure/function; Has not been previously published as pathogenic or benign to our knowledge; This variant is associated with the following publications: (PMID: 22419737, 19782031)